The following is an entry in ClinVar:

ClinVar aggregate classification (germline): Uncertain significance (1 of 4 stars; one submission).

Conditions:
Epidermolysis bullosa simplex 5B, with muscular dystrophy (EBS5B). Also called: EPIDERMOLYSIS BULLOSA SIMPLEX AND LIMB-GIRDLE MUSCULAR DYSTROPHY; Epidermolysis bullosa simplex with muscular dystrophy. Identifiers: Orphanet 257, MedGen C2931072, MONDO:0009181, OMIM 226670.
Epidermolysis bullosa simplex, Ogna type (EBS5A). Also called: EPIDERMOLYSIS BULLOSA SIMPLEX 5A, OGNA TYPE; Pidermolysis bullosa simplex 5A, Ogna type. Identifiers: Orphanet 79401, MedGen C0432317, MONDO:0007555, OMIM 131950.
Epidermolysis bullosa simplex 5C, with pyloric atresia (EBS5C). Also called: Epidermolysis bullosa simplex with pyloric atresia; PLEC-Related Epidermolysis Bullosa with Pyloric Atresia; PLEC1-Related Epidermolysis Bullosa with Pyloric Atresia. Identifiers: Orphanet 158684, MedGen C2677349, MONDO:0012807, OMIM 612138.
Autosomal recessive limb-girdle muscular dystrophy type 2Q (LGMDR17). Also called: MUSCULAR DYSTROPHY, LIMB-GIRDLE, AUTOSOMAL RECESSIVE 17. Identifiers: Orphanet 254361, MedGen C3150989, MONDO:0013390, OMIM 613723.
Epidermolysis bullosa simplex with nail dystrophy (EBS5D). Identifiers: MedGen C4225309, MONDO:0014661, OMIM 616487.

Allele frequency attached by ClinVar (database versions not stated): gnomAD below 0.00001 and 0.00001; gnomAD exomes 0.00001.
gnomAD v4.1: 9 of 1,596,662 alleles (0.00056%); highest among the groups gnomAD compares: South Asian, 0.01%; no homozygotes.

Submission:

Labcorp Genetics (formerly Invitae), Labcorp
Classification: Uncertain significance for Autosomal recessive limb-girdle muscular dystrophy type 2Q; Epidermolysis bullosa simplex, Ogna type; Epidermolysis bullosa simplex with nail dystrophy; Epidermolysis bullosa simplex 5C, with pyloric atresia; Epidermolysis bullosa simplex 5B, with muscular dystrophy. Last evaluated: 2022-07-18. Review status: criteria provided, single submitter. Criteria: Invitae Variant Classification Sherloc (09022015). Collection method: clinical testing. Allele origin: germline.
Comment: In summary, the available evidence is currently insufficient to determine the role of this variant in disease. Therefore, it has been classified as a Variant of Uncertain Significance. Algorithms developed to predict the effect of missense changes on protein structure and function are either unavailable or do not agree on the potential impact of this missense change (SIFT: "Tolerated"; PolyPhen-2: "Not Available"; Align-GVGD: "Class C15"). ClinVar contains an entry for this variant (Variation ID: 1015955). This variant has not been reported in the literature in individuals affected with PLEC-related conditions. This variant is not present in population databases (gnomAD no frequency). This sequence change replaces tyrosine, which is neutral and polar, with cysteine, which is neutral and slightly polar, at codon 804 of the PLEC protein (p.Tyr804Cys).

NM_201384.3(PLEC):c.2330A>G (p.Tyr777Cys)

Gene: PLEC (plectin; minus strand). Cytogenetic location: 8q24.3.
Variant type: single nucleotide variant.
Coding change: c.2330A>G on transcript NM_201384.3 (MANE Select); coding-DNA position 2330, A replaced by G.
Protein change: p.Tyr777Cys; replaces tyrosine 777 with cysteine.
Molecular consequence: missense variant.
Genome position (GRCh38, 1-based): chr8:143,930,511, T>C on the plus strand (A>G on the coding strand, the complement: PLEC is on the minus strand). VCF-style: chr8-143930511-T-C. GRCh37 (hg19) VCF-style: chr8-145004679-T-C.
Other names: c.2411A>G, p.Tyr804Cys (NM_000445.5); c.2288A>G, p.Tyr763Cys (NM_201378.4); c.2264A>G, p.Tyr755Cys (NM_201379.3); c.2741A>G, p.Tyr914Cys (NM_201380.4); c.2234A>G, p.Tyr745Cys (NM_201381.3); c.2330A>G, p.Tyr777Cys (NM_201382.4); c.2342A>G, p.Tyr781Cys (NM_201383.3); short protein forms Y745C, Y755C, Y763C, Y777C, Y781C, Y804C, Y914C.
Identifiers: ClinVar variation 1015955 (VCV001015955.5), dbSNP rs1554714090, ClinGen allele CA372574963.